The following is an entry in ClinVar:

NM_015466.4(PTPN23):c.3414G>C (p.Gln1138His)

Gene: PTPN23 (protein tyrosine phosphatase non-receptor type 23; plus strand). Cytogenetic location: 3p21.31.
Variant type: single nucleotide variant.
Coding change: c.3414G>C on transcript NM_015466.4 (MANE Select); coding-DNA position 3414, G replaced by C.
Protein change: p.Gln1138His; replaces glutamine 1138 with histidine.
Molecular consequence: missense variant.
Genome position (GRCh38, 1-based): chr3:47,411,212, G>C. VCF-style: chr3-47411212-G-C. GRCh37 (hg19) VCF-style: chr3-47452702-G-C.
Other names: c.3036G>C, p.Gln1012His (NM_001304482.2); short protein forms Q1012H, Q1138H.
Identifiers: ClinVar variation 2176390 (VCV002176390.4), dbSNP rs768587705, ClinGen allele CA352562148.
Genomic context (GRCh38, chr3:47,411,212, plus strand): 5'-CCTGCTCTCCTCCAGCCCGGAGAGCCAGCATGGCGGCACTCAGTCTCCTGGGGGTGGGCA[G>C]CCCCTGCTGCAGCCCACCAAGGTGGATGCAGCTGAGGGTCGTCGGCCGCAGGCCCTGCGG-3'
Protein context (NP_056281.1, residues 1128-1148): HGGTQSPGGG[Gln1138His]PLLQPTKVDA

ClinVar aggregate classification (germline): Uncertain significance (1 of 4 stars; one submission).

gnomAD v4.1: 1 of 1,604,630 alleles (0.000062%); highest among the groups gnomAD compares: South Asian, 0.0011%; no homozygotes.

Submission:

Labcorp Genetics (formerly Invitae), Labcorp
Classification: Uncertain significance. Last evaluated: 2022-07-14. Review status: criteria provided, single submitter. Criteria: Invitae Variant Classification Sherloc (09022015). Collection method: clinical testing. Allele origin: germline.
Comment: This variant has not been reported in the literature in individuals affected with PTPN23-related conditions. This sequence change replaces glutamine, which is neutral and polar, with histidine, which is basic and polar, at codon 1138 of the PTPN23 protein (p.Gln1138His). This variant is not present in population databases (gnomAD no frequency). Algorithms developed to predict the effect of missense changes on protein structure and function are either unavailable or do not agree on the potential impact of this missense change (SIFT: "Tolerated"; PolyPhen-2: "Possibly Damaging"; Align-GVGD: "Class C0"). In summary, the available evidence is currently insufficient to determine the role of this variant in disease. Therefore, it has been classified as a Variant of Uncertain Significance.